The following is an entry in ClinVar:

NM_000137.4(FAH):c.314+1G>A

Gene: FAH (fumarylacetoacetate hydrolase; plus strand). Cytogenetic location: 15q25.1.
Variant type: single nucleotide variant.
Coding change: c.314+1G>A on transcript NM_000137.4 (MANE Select); the canonical splice donor site of the intron after coding-DNA position 314, G replaced by A.
Molecular consequence: splice donor variant.
Genome position (GRCh38, 1-based): chr15:80,159,878, G>A. VCF-style: chr15-80159878-G-A. GRCh37 (hg19) VCF-style: chr15-80452220-G-A.
Other names: c.314+1G>A (NM_001374377.1, NM_001374380.1, NM_000137.3).
Identifiers: ClinVar variation 370334 (VCV000370334.7), dbSNP rs1057516408, ClinGen allele CA16041754.

ClinVar aggregate classification (germline): Likely pathogenic. Review status: criteria provided, multiple submitters, no conflicts (2 of 4 stars). 4 submissions from 4 submitters: Likely pathogenic (3). 1 of the submissions does not count toward it. Last evaluated 2024-05-22.

Conditions:
Tyrosinemia type I (TYRSN1). Also called: Tyrosinemia type 1; Fumarylacetoacetase deficiency; HEPATORENAL TYROSINEMIA; Deficiency of fumarylacetoacetase; FAH DEFICIENCY. Identifiers: Orphanet 882, MedGen C0268490, MONDO:0010161, OMIM 276700. Disease mechanism: loss of function.

Allele frequency attached by ClinVar (database versions not stated): gnomAD exomes below 0.00001 and 0.00001.

Submissions (4):

Fulgent Genetics
Classification: Likely pathogenic for Tyrosinemia type I. Last evaluated: 2024-05-22. Review status: criteria provided, single submitter. Criteria: ACMG Guidelines, 2015. Collection method: clinical testing. Allele origin: germline.

Baylor Genetics
Classification: Likely pathogenic for Tyrosinemia type I. Last evaluated: 2023-12-19. Review status: criteria provided, single submitter. Criteria: ACMG Guidelines, 2015. Collection method: clinical testing. Allele origin: unknown.

Mayo Clinic Laboratories, Mayo Clinic
Classification: Likely pathogenic. Last evaluated: 2022-03-14. Review status: criteria provided, single submitter. Criteria: ACMG Guidelines, 2015. Collection method: clinical testing. Allele origin: germline. Observed: 1 variant allele.
Comment: PM2, PVS1

Counsyl
Classification: Likely pathogenic for Tyrosinemia type I. Last evaluated: 2016-01-14. Review status: no assertion criteria provided. Collection method: clinical testing. Allele origin: unknown. Not counted in ClinVar's aggregate classification.